The following is an entry in ClinVar:

ClinVar aggregate classification (germline): Uncertain significance. Review status: criteria provided, multiple submitters, no conflicts (2 of 4 stars). 2 submissions from 2 submitters: Uncertain significance (2). Last evaluated 2023-12-05.

Conditions:
Hereditary cancer-predisposing syndrome. Also called: Neoplastic Syndromes, Hereditary; Tumor predisposition; Hereditary neoplastic syndrome; Hereditary Cancer Syndrome. Identifiers: Orphanet 140162, MedGen C0027672, MeSH D009386, MONDO:0015356.
Familial adenomatous polyposis 1 (FAP1). Also called: POLYPOSIS, ADENOMATOUS INTESTINAL; FAMILIAL ADENOMATOUS POLYPOSIS 1, ATTENUATED. Identifiers: MedGen C2713442, MONDO:0021056, OMIM 175100. Disease mechanism: loss of function.

Submissions (2):

Color Diagnostics, LLC DBA Color Health
Classification: Uncertain significance for Hereditary cancer-predisposing syndrome. Last evaluated: 2023-12-05. Review status: criteria provided, single submitter. Criteria: ACMG Guidelines, 2015. Collection method: clinical testing. Allele origin: germline.
Comment: This missense variant replaces proline with alanine at codon 2369 of the APC protein. Computational prediction is inconclusive regarding the impact of this variant on protein structure and function (internally defined REVEL score threshold 0.5 < inconclusive < 0.7, PMID: 27666373). To our knowledge, functional studies have not been reported for this variant. This variant has not been reported in individuals affected with APC-related disorders in the literature. This variant has not been identified in the general population by the Genome Aggregation Database (gnomAD). The available evidence is insufficient to determine the role of this variant in disease conclusively. Therefore, this variant is classified as a Variant of Uncertain Significance.

Labcorp Genetics (formerly Invitae), Labcorp
Classification: Uncertain significance for Familial adenomatous polyposis 1. Last evaluated: 2023-03-01. Review status: criteria provided, single submitter. Criteria: Invitae Variant Classification Sherloc (09022015). Collection method: clinical testing. Allele origin: germline.
Comment: In summary, the available evidence is currently insufficient to determine the role of this variant in disease. Therefore, it has been classified as a Variant of Uncertain Significance. Advanced modeling of protein sequence and biophysical properties (such as structural, functional, and spatial information, amino acid conservation, physicochemical variation, residue mobility, and thermodynamic stability) performed at Invitae indicates that this missense variant is not expected to disrupt APC protein function. ClinVar contains an entry for this variant (Variation ID: 628336). This variant has not been reported in the literature in individuals affected with APC-related conditions. This variant is not present in population databases (gnomAD no frequency). This sequence change replaces proline, which is neutral and non-polar, with alanine, which is neutral and non-polar, at codon 2369 of the APC protein (p.Pro2369Ala).

NM_000038.6(APC):c.7105C>G (p.Pro2369Ala)

Gene: APC (APC regulator of Wnt signaling pathway; plus strand). Cytogenetic location: 5q22.2.
Variant type: single nucleotide variant.
Coding change: c.7105C>G on transcript NM_000038.6 (MANE Select); coding-DNA position 7105, C replaced by G.
Protein change: p.Pro2369Ala; replaces proline 2369 with alanine.
Molecular consequence: missense variant.
Genome position (GRCh38, 1-based): chr5:112,842,699, C>G. VCF-style: chr5-112842699-C-G. GRCh37 (hg19) VCF-style: chr5-112178396-C-G.
Other names: c.7105C>G, p.Pro2369Ala (NM_001127510.3, NM_001354895.2); c.7051C>G, p.Pro2351Ala (NM_001127511.3); c.7159C>G, p.Pro2387Ala (NM_001354896.2); c.7135C>G, p.Pro2379Ala (NM_001354897.2); c.7030C>G, p.Pro2344Ala (NM_001354898.2); c.7021C>G, p.Pro2341Ala (NM_001354899.2); c.6982C>G, p.Pro2328Ala (NM_001354900.2); c.6928C>G, p.Pro2310Ala (NM_001354901.2); and 5 more; short protein forms P2351A, P2369A, P2086A, P2243A, P2278A, P2344A, P2328A, P2268A.
Identifiers: ClinVar variation 628336 (VCV000628336.8), dbSNP rs377308875, ClinGen allele CA16036805.